The following is an entry in ClinVar:

ClinVar aggregate classification (germline): Conflicting classifications of pathogenicity. Review status: criteria provided, conflicting classifications (1 of 4 stars). 2 submissions from 2 submitters: Uncertain significance (1); Benign (1). Last evaluated 2025-11-17.

Conditions:
KMT2D-related disorder. Also called: KMT2D-Related Disorders.
Kabuki syndrome. Also called: Kabuki make-up syndrome; NIIKAWA-KUROKI SYNDROME. Identifiers: Orphanet 2322, MedGen C0796004, MONDO:0016512.

Allele frequency attached by ClinVar (database versions not stated): gnomAD 0.00001; gnomAD exomes 0.00001 and 0.00002; ExAC 0.00002; TOPMed 0.00002.
gnomAD v4.1: 8 of 1,613,324 alleles (0.0005%); highest among the groups gnomAD compares: Admixed American, 0.012%; no homozygotes.

Submissions (2):

Labcorp Genetics (formerly Invitae), Labcorp
Classification: Benign for Kabuki syndrome. Last evaluated: 2025-11-17. Review status: criteria provided, single submitter. Criteria: Invitae Variant Classification Sherloc (09022015). Collection method: clinical testing. Allele origin: germline.

PreventionGenetics, part of Exact Sciences
Classification: Uncertain significance for KMT2D-related condition. Last evaluated: 2025-11-11. Review status: criteria provided, single submitter. Criteria: ACMG Guidelines, 2015. Collection method: clinical testing. Allele origin: germline.
Comment: The KMT2D c.2872G>A variant is predicted to result in the amino acid substitution p.Glu958Lys. To our knowledge, this variant has not been reported in the literature. This variant is reported in 0.017% of alleles in individuals of Latino descent in gnomAD. Although we suspect that this variant may be benign, at this time, the clinical significance of this variant is uncertain due to the absence of conclusive functional and genetic evidence.

NM_003482.4(KMT2D):c.2872G>A (p.Glu958Lys)

Gene: KMT2D (lysine methyltransferase 2D; minus strand). Cytogenetic location: 12q13.12.
Variant type: single nucleotide variant.
Coding change: c.2872G>A on transcript NM_003482.4 (MANE Select); coding-DNA position 2872, G replaced by A.
Protein change: p.Glu958Lys; replaces glutamic acid 958 with lysine.
Molecular consequence: missense variant.
Genome position (GRCh38, 1-based): chr12:49,050,716, C>T on the plus strand (G>A on the coding strand, the complement: KMT2D is on the minus strand). VCF-style: chr12-49050716-C-T. GRCh37 (hg19) VCF-style: chr12-49444499-C-T.
Other names: c.2872G>A (NM_003482.3); short protein forms E958K.
Identifiers: ClinVar variation 1488795 (VCV001488795.9), dbSNP rs766682523, ClinGen allele CA6548158.